The following is an entry in ClinVar:

NM_001242957.3(MAK):c.1347C>A (p.Asn449Lys)

Gene: MAK (male germ cell associated kinase; minus strand). Cytogenetic location: 6p24.2.
Variant type: single nucleotide variant.
Coding change: c.1347C>A on transcript NM_001242957.3 (MANE Select); coding-DNA position 1347, C replaced by A.
Protein change: p.Asn449Lys; replaces asparagine 449 with lysine.
Molecular consequence: missense variant. On other transcripts: non-coding transcript variant (2).
Genome position (GRCh38, 1-based): chr6:10,784,542, G>T on the plus strand (C>A on the coding strand, the complement: MAK is on the minus strand). VCF-style: chr6-10784542-G-T. GRCh37 (hg19) VCF-style: chr6-10784775-G-T.
Other names: c.1347C>A, p.Asn449Lys (NM_001242385.2, NM_005906.6); c.1245C>A, p.Asn415Lys (NM_001377262.1); short protein forms N449K, N415K.
Identifiers: ClinVar variation 1374114 (VCV001374114.6), dbSNP rs746051642, ClinGen allele CA3633456.

ClinVar aggregate classification (germline): Uncertain significance (1 of 4 stars; one submission).

Allele frequency attached by ClinVar (database versions not stated): ExAC 0.00001; gnomAD exomes below 0.00001.

Submission:

Labcorp Genetics (formerly Invitae), Labcorp
Classification: Uncertain significance. Last evaluated: 2025-02-06. Review status: criteria provided, single submitter. Criteria: Invitae Variant Classification Sherloc (09022015). Collection method: clinical testing. Allele origin: germline.
Comment: This sequence change replaces asparagine with lysine at codon 449 of the MAK protein (p.Asn449Lys). The asparagine residue is weakly conserved and there is a moderate physicochemical difference between asparagine and lysine. This variant is present in population databases (rs746051642, gnomAD 0.007%). This variant has not been reported in the literature in individuals affected with MAK-related conditions. ClinVar contains an entry for this variant (Variation ID: 1374114). Invitae Evidence Modeling of protein sequence and biophysical properties (such as structural, functional, and spatial information, amino acid conservation, physicochemical variation, residue mobility, and thermodynamic stability) indicates that this missense variant is not expected to disrupt MAK protein function with a negative predictive value of 95%. In summary, the available evidence is currently insufficient to determine the role of this variant in disease. Therefore, it has been classified as a Variant of Uncertain Significance.